The following is an entry in ClinVar:

NM_024996.7(GFM1):c.100C>T (p.Arg34Ter)

Gene: GFM1 (G elongation factor mitochondrial 1; plus strand). Cytogenetic location: 3q25.32.
Variant type: single nucleotide variant.
Coding change: c.100C>T on transcript NM_024996.7 (MANE Select); coding-DNA position 100, C replaced by T.
Protein change: p.Arg34Ter; replaces arginine 34 with a stop codon.
Molecular consequence: nonsense. On other transcripts: 5 prime UTR variant (4), non-coding transcript variant (4).
Genome position (GRCh38, 1-based): chr3:158,645,647, C>T. VCF-style: chr3-158645647-C-T. GRCh37 (hg19) VCF-style: chr3-158363436-C-T.
Other names: c.100C>T, p.Arg34Ter (NM_001308164.2, NM_001308166.2, NM_001374355.1 and 2 more transcripts); c.-126C>T (NM_001374357.1); c.-130C>T (NM_001374359.1, NM_001374360.1, NM_001374361.1); short protein forms R34*.
Identifiers: ClinVar variation 812093 (VCV000812093.9), dbSNP rs766234016, ClinGen allele CA2682224.

ClinVar aggregate classification (germline): Pathogenic/Likely pathogenic. Review status: criteria provided, multiple submitters, no conflicts (2 of 4 stars). 4 submissions from 4 submitters: Pathogenic (3); Likely pathogenic (1). Last evaluated 2023-09-20.

Conditions:
Hepatoencephalopathy due to combined oxidative phosphorylation defect type 1. Also called: HEPATOENCEPHALOPATHY, EARLY FATAL PROGRESSIVE. Identifiers: Orphanet 137681, MedGen C1836797, MONDO:0012191, OMIM 609060.

Allele frequency attached by ClinVar (database versions not stated): TOPMed below 0.00001; gnomAD 0.00001; gnomAD exomes 0.00001; ExAC 0.00002.
gnomAD v4.1: 12 of 1,612,496 alleles (0.00074%); highest among the groups gnomAD compares: South Asian, 0.0055%; no homozygotes.

Submissions (4):

Baylor Genetics
Classification: Pathogenic for Hepatoencephalopathy due to combined oxidative phosphorylation defect type 1. Last evaluated: 2023-09-20. Review status: criteria provided, single submitter. Criteria: ACMG Guidelines, 2015. Collection method: clinical testing. Allele origin: unknown.

Labcorp Genetics (formerly Invitae), Labcorp
Classification: Pathogenic. Last evaluated: 2023-08-20. Review status: criteria provided, single submitter. Criteria: Invitae Variant Classification Sherloc (09022015). Collection method: clinical testing. Allele origin: germline.
Comment: For these reasons, this variant has been classified as Pathogenic. ClinVar contains an entry for this variant (Variation ID: 812093). This premature translational stop signal has been observed in individual(s) with GFM1-related conditions (PMID: 31680380). This variant is present in population databases (rs766234016, gnomAD 0.01%). This sequence change creates a premature translational stop signal (p.Arg34*) in the GFM1 gene. It is expected to result in an absent or disrupted protein product. Loss-of-function variants in GFM1 are known to be pathogenic (PMID: 16632485, 17160893).

Revvity Omics, Revvity
Classification: Likely pathogenic for Hepatoencephalopathy due to combined oxidative phosphorylation defect type 1. Last evaluated: 2021-12-03. Review status: criteria provided, single submitter. Criteria: ACMG Guidelines, 2015. Collection method: clinical testing. Allele origin: germline.

Laboratoire de Génétique Moléculaire Institut de Recherche Necker Enfants Malades, CHU Paris - Hôpital Necker-Enfants Malades
Classification: Pathogenic for Combined oxidative phosphorylation deficiency 1. Review status: criteria provided, single submitter. Criteria: ACMG Guidelines, 2015. Collection method: clinical testing. Allele origin: inherited. Affected: yes. Observed: 1 variant allele.

Literature cited by the submitters: PubMed 31680380 (cited by Labcorp Genetics (formerly Invitae), Labcorp); PubMed 16632485 (cited by Labcorp Genetics (formerly Invitae), Labcorp); PubMed 17160893 (cited by Labcorp Genetics (formerly Invitae), Labcorp).